The following is an entry in ClinVar:

NM_001364905.1(LRBA):c.4186C>G (p.Gln1396Glu)

Gene: LRBA (LPS responsive beige-like anchor protein; minus strand). Cytogenetic location: 4q31.3.
Variant type: single nucleotide variant.
Coding change: c.4186C>G on transcript NM_001364905.1 (MANE Select); coding-DNA position 4186, C replaced by G.
Protein change: p.Gln1396Glu; replaces glutamine 1396 with glutamic acid.
Molecular consequence: missense variant.
Genome position (GRCh38, 1-based): chr4:150,848,971, G>C on the plus strand (C>G on the coding strand, the complement: LRBA is on the minus strand). VCF-style: chr4-150848971-G-C. GRCh37 (hg19) VCF-style: chr4-151770123-G-C.
Other names: c.4186C>G, p.Gln1396Glu (NM_001199282.3, NM_001367550.1, NM_006726.5); short protein forms Q1396E.
Identifiers: ClinVar variation 941205 (VCV000941205.7), dbSNP rs760112656, ClinGen allele CA3102855.

ClinVar aggregate classification (germline): Uncertain significance. Review status: criteria provided, multiple submitters, no conflicts (2 of 4 stars). 3 submissions from 3 submitters: Uncertain significance (3). Last evaluated 2024-12-16.

Conditions:
Combined immunodeficiency due to LRBA deficiency. Also called: Common variable immunodeficiency 8, with autoimmunity. Identifiers: Orphanet 445018, MedGen C3553512, MONDO:0013863, OMIM 614700.

Allele frequency attached by ClinVar (database versions not stated): TOPMed below 0.00001; ExAC 0.00001; gnomAD exomes 0.00001 and 0.00003.
gnomAD v4.1: 39 of 1,603,498 alleles (0.0024%); highest among the groups gnomAD compares: Non-Finnish European, 0.0032%; no homozygotes.

Submissions (3):

Labcorp Genetics (formerly Invitae), Labcorp
Classification: Uncertain significance for Combined immunodeficiency due to LRBA deficiency. Last evaluated: 2024-12-16. Review status: criteria provided, single submitter. Criteria: Invitae Variant Classification Sherloc (09022015). Collection method: clinical testing. Allele origin: germline.
Comment: This sequence change replaces glutamine, which is neutral and polar, with glutamic acid, which is acidic and polar, at codon 1396 of the LRBA protein (p.Gln1396Glu). This variant is present in population databases (rs760112656, gnomAD 0.002%). This missense change has been observed in individual(s) with pars planitis (PMID: 32707200). ClinVar contains an entry for this variant (Variation ID: 941205). Invitae Evidence Modeling of protein sequence and biophysical properties (such as structural, functional, and spatial information, amino acid conservation, physicochemical variation, residue mobility, and thermodynamic stability) indicates that this missense variant is expected to disrupt LRBA protein function with a positive predictive value of 80%. In summary, the available evidence is currently insufficient to determine the role of this variant in disease. Therefore, it has been classified as a Variant of Uncertain Significance.

Baylor Genetics
Classification: Uncertain significance for Combined immunodeficiency due to LRBA deficiency. Last evaluated: 2023-03-20. Review status: criteria provided, single submitter. Criteria: ACMG Guidelines, 2015. Collection method: clinical testing. Allele origin: unknown.

Blueprint Genetics
Classification: Uncertain significance. Last evaluated: 2021-06-07. Review status: criteria provided, single submitter. Criteria: ACMG Guidelines, 2015. Collection method: clinical testing. Allele origin: germline.

Literature cited by the submitters: PubMed 32707200 (cited by Labcorp Genetics (formerly Invitae), Labcorp).